The following is an entry in ClinVar:

ClinVar aggregate classification (germline): Uncertain significance (1 of 4 stars; one submission).

Conditions:
Werner syndrome (WRN). Identifiers: Orphanet 902, MedGen C0043119, MONDO:0010196, OMIM 277700.

Allele frequency attached by ClinVar (database versions not stated): gnomAD exomes below 0.00001 and 0.00001; gnomAD 0.00001.
gnomAD v4.1: 5 of 1,612,964 alleles (0.00031%); highest among the groups gnomAD compares: Non-Finnish European, 0.00042%; no homozygotes.

Submission:

Labcorp Genetics (formerly Invitae), Labcorp
Classification: Uncertain significance for Werner syndrome. Last evaluated: 2025-05-27. Review status: criteria provided, single submitter. Criteria: Invitae Variant Classification Sherloc (09022015). Collection method: clinical testing. Allele origin: germline.
Comment: This sequence change replaces glutamic acid, which is acidic and polar, with glycine, which is neutral and non-polar, at codon 1391 of the WRN protein (p.Glu1391Gly). This variant is present in population databases (no rsID available, gnomAD 0.002%). This variant has not been reported in the literature in individuals affected with WRN-related conditions. ClinVar contains an entry for this variant (Variation ID: 1393476). An algorithm developed to predict the effect of missense changes on protein structure and function (PolyPhen-2) suggests that this variant is likely to be tolerated. RNA analysis performed to evaluate the impact of this missense change on mRNA splicing indicates it does not significantly alter splicing (internal data). In summary, the available evidence is currently insufficient to determine the role of this variant in disease. Therefore, it has been classified as a Variant of Uncertain Significance.

NM_000553.6(WRN):c.4172A>G (p.Glu1391Gly)

Gene: WRN (WRN RecQ like helicase; plus strand). Cytogenetic location: 8p12.
Variant type: single nucleotide variant.
Coding change: c.4172A>G on transcript NM_000553.6 (MANE Select); coding-DNA position 4172, A replaced by G.
Protein change: p.Glu1391Gly; replaces glutamic acid 1391 with glycine.
Molecular consequence: missense variant.
Genome position (GRCh38, 1-based): chr8:31,167,211, A>G. VCF-style: chr8-31167211-A-G. GRCh37 (hg19) VCF-style: chr8-31024727-A-G.
Other names: short protein forms E1391G.
Identifiers: ClinVar variation 1393476 (VCV001393476.8), dbSNP rs1426646860, ClinGen allele CA370910035.